The following is an entry in ClinVar:

NM_194277.3(FRMD7):c.1402C>A (p.Arg468Ser)

Gene: FRMD7 (FERM domain containing 7; minus strand). Cytogenetic location: Xq26.2.
Variant type: single nucleotide variant.
Coding change: c.1402C>A on transcript NM_194277.3 (MANE Select); coding-DNA position 1402, C replaced by A.
Protein change: p.Arg468Ser; replaces arginine 468 with serine.
Molecular consequence: missense variant.
Genome position (GRCh38, 1-based): chrX:132,078,615, G>T on the plus strand (C>A on the coding strand, the complement: FRMD7 is on the minus strand). VCF-style: chrX-132078615-G-T. GRCh37 (hg19) VCF-style: chrX-131212643-G-T.
Other names: c.1357C>A, p.Arg453Ser (NM_001306193.2); short protein forms R453S, R468S.
Identifiers: ClinVar variation 1435671 (VCV001435671.6), dbSNP rs765439361, ClinGen allele CA414679160.

ClinVar aggregate classification (germline): Uncertain significance (1 of 4 stars; one submission).

Submission:

Labcorp Genetics (formerly Invitae), Labcorp
Classification: Uncertain significance. Last evaluated: 2021-08-28. Review status: criteria provided, single submitter. Criteria: Invitae Variant Classification Sherloc (09022015). Collection method: clinical testing. Allele origin: germline.
Comment: This sequence change replaces arginine with serine at codon 468 of the FRMD7 protein (p.Arg468Ser). The arginine residue is weakly conserved and there is a moderate physicochemical difference between arginine and serine. This variant is not present in population databases (ExAC no frequency). This variant has not been reported in the literature in individuals affected with FRMD7-related conditions. Algorithms developed to predict the effect of missense changes on protein structure and function output the following: SIFT: "Tolerated"; PolyPhen-2: "Benign"; Align-GVGD: "Class C0". The serine amino acid residue is found in multiple mammalian species, which suggests that this missense change does not adversely affect protein function. Algorithms developed to predict the effect of sequence changes on RNA splicing suggest that this variant may create or strengthen a splice site. In summary, the available evidence is currently insufficient to determine the role of this variant in disease. Therefore, it has been classified as a Variant of Uncertain Significance.